The following is an entry in ClinVar:

ClinVar aggregate classification (germline): Uncertain significance (1 of 4 stars; one submission).

Conditions:
ALG6-congenital disorder of glycosylation 1C (CDG1C). Also called: Congenital disorder of glycosylation, type Ic; CARBOHYDRATE-DEFICIENT GLYCOPROTEIN SYNDROME, TYPE I, WITH DEFICIENT GLYCOSYLATION OF DOLICHOL-LINKED OLIGOSACCHARIDE; CARBOHYDRATE-DEFICIENT GLYCOPROTEIN SYNDROME, TYPE V; CDG Ic; Congenital disorder of glycosylation type 1C. Identifiers: Orphanet 79320, MedGen C2930997, MONDO:0011291, OMIM 603147.

Allele frequency attached by ClinVar (database versions not stated): gnomAD exomes below 0.00001; ExAC 0.00001.
gnomAD v4.1: 5 of 1,613,768 alleles (0.00031%); highest among the groups gnomAD compares: Admixed American, 0.005%; no homozygotes.

Submission:

Labcorp Genetics (formerly Invitae), Labcorp
Classification: Uncertain significance for ALG6-congenital disorder of glycosylation 1C. Last evaluated: 2022-08-09. Review status: criteria provided, single submitter. Criteria: Invitae Variant Classification Sherloc (09022015). Collection method: clinical testing. Allele origin: germline.
Comment: This sequence change replaces valine, which is neutral and non-polar, with leucine, which is neutral and non-polar, at codon 477 of the ALG6 protein (p.Val477Leu). This variant is present in population databases (rs747356051, gnomAD 0.006%). This variant has not been reported in the literature in individuals affected with ALG6-related conditions. ClinVar contains an entry for this variant (Variation ID: 1447807). Algorithms developed to predict the effect of missense changes on protein structure and function (SIFT, PolyPhen-2, Align-GVGD) all suggest that this variant is likely to be tolerated. In summary, the available evidence is currently insufficient to determine the role of this variant in disease. Therefore, it has been classified as a Variant of Uncertain Significance.

NM_013339.4(ALG6):c.1429G>C (p.Val477Leu)

Gene: ALG6 (ALG6 alpha-1,3-glucosyltransferase; plus strand). Cytogenetic location: 1p31.3.
Variant type: single nucleotide variant.
Coding change: c.1429G>C on transcript NM_013339.4 (MANE Select); coding-DNA position 1429, G replaced by C.
Protein change: p.Val477Leu; replaces valine 477 with leucine.
Molecular consequence: missense variant.
Genome position (GRCh38, 1-based): chr1:63,436,925, G>C. VCF-style: chr1-63436925-G-C. GRCh37 (hg19) VCF-style: chr1-63902596-G-C.
Other names: short protein forms V477L.
Identifiers: ClinVar variation 1447807 (VCV001447807.3), dbSNP rs747356051, ClinGen allele CA888449.